The following is an entry in ClinVar:

NM_002401.5(MAP3K3):c.1323C>G (p.Ile441Met)

Gene: MAP3K3 (mitogen-activated protein kinase kinase kinase 3; plus strand). Cytogenetic location: 17q23.3.
Variant type: single nucleotide variant.
Coding change: c.1323C>G on transcript NM_002401.5 (MANE Select); coding-DNA position 1323, C replaced by G.
Protein change: p.Ile441Met; replaces isoleucine 441 with methionine.
Molecular consequence: missense variant.
Genome position (GRCh38, 1-based): chr17:63,691,212, C>G. VCF-style: chr17-63691212-C-G. GRCh37 (hg19) VCF-style: chr17-61768572-C-G.
Other names: c.1311C>G, p.Ile437Met (NM_001330431.2); c.1404C>G, p.Ile468Met (NM_001363768.2); c.1416C>G, p.Ile472Met (NM_203351.3); short protein forms I437M, I441M, I468M, I472M.
Identifiers: ClinVar variation 1691386 (VCV001691386.4), dbSNP rs2143631386, ClinGen allele CA400572507.

ClinVar aggregate classification (germline): Pathogenic/Likely pathogenic. Review status: criteria provided, multiple submitters, no conflicts (2 of 4 stars). 3 submissions from 3 submitters: Pathogenic (1); Likely pathogenic (1). 1 of the submissions does not count toward it. Last evaluated 2023-08-27.

Conditions:
Verrucous hemangioma. Also called: Verrucous venous malformation. Identifiers: Orphanet 464318, MedGen C0334540, MONDO:0018734.
CEREBRAL CAVERNOUS MALFORMATIONS 5, SOMATIC.

Submissions (3):

Clinical Genomics Laboratory, Washington University in St. Louis
Classification: Likely pathogenic for Verrucous venous malformation. Last evaluated: 2023-08-27. Review status: criteria provided, single submitter. Criteria: ACMG Guidelines, 2015. Collection method: clinical testing. Allele origin: somatic. Affected: yes.
Comment: The MAP3K3 c.1323C>G (p.Ile441Met) variant was identified at an allelic fraction consistent with somatic origin. This variant has been reported in nine individuals affected with cerebral cavernous malformations (CCMs) (Weng J et al., PMID: 33891857; Ren J et al., PMID: 36917268) and three individuals affected with verrucous venous malformation (Couto JA et al., PMID: 25728774). MAP3K3 c.1323C>G (p.Ile441Met) has been reported in the ClinVar database as pathogenic by one submitter (ClinVar ID: 1691386). This variant is absent from the general population (gnomAD v.3.1.2), indicating it is not a common variant. Functional studies using animal models generated with this variant expressed intracranial lesions that resemble human CCMs (Ren J et al., PMID: 36917268). Furthermore, studies using animals and cell lines demonstrated hyperactivation of downstream signaling pathway (Weng J et al., PMID: 33891857; Huo R et al., PMID: 36090889). Based on an internally developed protocol informed by the ACMG/AMP guidelines (Richards S et al., PMID: 25741868), MAP3K3 c.1323C>G (p.Ile441Met) variant is classified as likely pathogenic

Seattle Children's Hospital Molecular Genetics Laboratory, Seattle Children's Hospital
Classification: Pathogenic for Verrucous hemangioma. Last evaluated: 2021-01-12. Review status: criteria provided, single submitter. Criteria: ACMG Guidelines, 2015. Collection method: clinical testing. Allele origin: somatic. Affected: yes. Observed: 3 variant alleles. Clinical features observed: Abnormality of the vasculature (HP:0002597), Abnormal venous morphology (HP:0002624).
Comment: This variant has previously been reported in affected tissues in 6/10 individuals with verrucous venous malformations (PMID: 25728774). The variant has not been reported in large population studies (Genome Aggregation Database v2.1.1). To date, no somatic mutation affecting p.Ile441 has been reported in COSMIC, the catalog of somatic mutation in cancer, nor the NCI Genomic Data Commons database.

OMIM
Classification: Pathogenic for CEREBRAL CAVERNOUS MALFORMATIONS 5, SOMATIC. Last evaluated: 2024-12-06. Review status: no assertion criteria provided. Collection method: literature only. Allele origin: somatic. Not counted in ClinVar's aggregate classification.

Literature cited by the submitters: PubMed 33729480 (cited by OMIM); PubMed 33891857 (cited by OMIM).